The following is an entry in ClinVar:

NM_000321.3(RB1):c.1050-3T>G

Gene: RB1 (RB transcriptional corepressor 1; plus strand). Cytogenetic location: 13q14.2.
Variant type: single nucleotide variant.
Coding change: c.1050-3T>G on transcript NM_000321.3 (MANE Select); 3 bases into the intron before coding-DNA position 1050, T replaced by G.
Molecular consequence: intron variant.
Genome position (GRCh38, 1-based): chr13:48,368,524, T>G. VCF-style: chr13-48368524-T-G. GRCh37 (hg19) VCF-style: chr13-48942660-T-G.
Other names: c.1050-3T>G (NM_001407165.1, NM_001407166.1, NM_000321.2).
Identifiers: ClinVar variation 3362229 (VCV003362229.4).

ClinVar aggregate classification (germline): Uncertain significance. Review status: criteria provided, multiple submitters, no conflicts (2 of 4 stars). 3 submissions from 3 submitters: Uncertain significance (3). Last evaluated 2026-05-05.

Conditions:
Hereditary cancer-predisposing syndrome. Also called: Neoplastic Syndromes, Hereditary; Tumor predisposition; Hereditary Cancer Syndrome; Hereditary neoplastic syndrome. Identifiers: Orphanet 140162, MedGen C0027672, MeSH D009386, MONDO:0015356.
Retinoblastoma (RB1). Also called: RETINOBLASTOMA, SOMATIC. Identifiers: Orphanet 790, MedGen C0035335, MeSH D012175, MONDO:0008380, OMIM 180200, HP:0009919. Disease mechanism: loss of function. Inheritance: Both sporadic and heritable forms are tested..

gnomAD v4.1: 3 of 1,613,170 alleles (0.00019%); highest among the groups gnomAD compares: Non-Finnish European, 0.00025%; no homozygotes.

Submissions (3):

Ambry Genetics
Classification: Uncertain significance for Hereditary cancer-predisposing syndrome. Last evaluated: 2026-05-05. Review status: criteria provided, single submitter. Criteria: Ambry Variant Classification Scheme 2023. Collection method: clinical testing. Allele origin: germline.
Comment: The c.1050-3T>G intronic variant results from a T to G substitution 3 nucleotides upstream from coding exon 11 in the RB1 gene. This nucleotide position is well conserved in available vertebrate species. In silico splice site analysis predicts that this alteration will weaken the native splice acceptor site and may result in the creation or strengthening of a novel splice acceptor site. Based on the available evidence, the clinical significance of this variant remains unclear.

Labcorp Genetics (formerly Invitae), Labcorp
Classification: Uncertain significance for Retinoblastoma. Last evaluated: 2024-04-02. Review status: criteria provided, single submitter. Criteria: Invitae Variant Classification Sherloc (09022015). Collection method: clinical testing. Allele origin: germline.
Comment: This sequence change falls in intron 10 of the RB1 gene. It does not directly change the encoded amino acid sequence of the RB1 protein. It affects a nucleotide within the consensus splice site. This variant is not present in population databases (gnomAD no frequency). This variant has not been reported in the literature in individuals affected with RB1-related conditions. Variants that disrupt the consensus splice site are a relatively common cause of aberrant splicing (PMID: 17576681, 9536098). Algorithms developed to predict the effect of sequence changes on RNA splicing suggest that this variant may disrupt the consensus splice site. In summary, the available evidence is currently insufficient to determine the role of this variant in disease. Therefore, it has been classified as a Variant of Uncertain Significance.

GeneDx
Classification: Uncertain significance. Last evaluated: 2023-05-28. Review status: criteria provided, single submitter. Criteria: GeneDx Variant Classification Process June 2021. Collection method: clinical testing. Allele origin: germline. Affected: yes.
Comment: Not observed at significant frequency in large population cohorts (gnomAD); In silico analysis supports a deleterious effect on splicing; Has not been previously published as pathogenic or benign to our knowledge

Literature cited by the submitters: PubMed 17576681 (cited by Labcorp Genetics (formerly Invitae), Labcorp); PubMed 9536098 (cited by Labcorp Genetics (formerly Invitae), Labcorp).